The following is an entry in ClinVar:

ClinVar aggregate classification (germline): Conflicting classifications of pathogenicity. Review status: criteria provided, conflicting classifications (1 of 4 stars). 15 submissions from 11 submitters: Uncertain significance (3); Benign (2); Likely benign (9). 1 of the submissions does not count toward it. Last evaluated 2026-01-28.

Conditions:
TTN-related disorder. Also called: TTN-related condition; TTN-related disease; TTN-related disorders.
Cardiovascular phenotype. Identifiers: MedGen CN230736.
Dilated cardiomyopathy 1G (CMD1G). Identifiers: Orphanet 154, MedGen C1858763, MONDO:0011400, OMIM 604145.
Autosomal recessive limb-girdle muscular dystrophy type 2J (LGMDR10). Also called: Limb-girdle muscular dystrophy, type 2J; MUSCULAR DYSTROPHY, LIMB-GIRDLE, AUTOSOMAL RECESSIVE 10. Identifiers: Orphanet 140922, MedGen C1837342, MONDO:0012127, OMIM 608807.
Early-onset myopathy with fatal cardiomyopathy (CMYO5). Also called: Salih Myopathy; CONGENITAL MYOPATHY 5 WITH CARDIOMYOPATHY. Identifiers: Orphanet 289377, MedGen C2673677, MONDO:0012714, OMIM 611705. Disease mechanism: loss of function.
Myopathy, myofibrillar, 9, with early respiratory failure (MFM9). Also called: MYOPATHY, PROXIMAL, WITH EARLY RESPIRATORY MUSCLE INVOLVEMENT; Hereditary myopathy with early respiratory failure; Myopathy, distal, with early respiratory failure, autosomal dominant; EDSTROM MYOPATHY. Identifiers: Orphanet 34521, MedGen C1863599, MONDO:0011362, OMIM 603689, Orphanet 178464.
Tibial muscular dystrophy (TMD). Also called: Udd Distal Myopathy – Tibial Muscular Dystrophy; UDD MYOPATHY; Tibial muscular dystrophy, tardive. Identifiers: Orphanet 609, MedGen C1838244, MONDO:0010870, OMIM 600334.

Allele frequency attached by ClinVar (database versions not stated): gnomAD 0.00038; 1000 Genomes Project 0.00060; 1000 Genomes Project 30x 0.00062; TOPMed 0.00078; ESP Exome Variant Server 0.00102.
gnomAD v4.1: 192 of 1,606,944 alleles (0.012%); highest among the groups gnomAD compares: African/African-American, 0.24%; no homozygotes.

Submissions (15):

Labcorp Genetics (formerly Invitae), Labcorp
Classification: Likely benign for Dilated cardiomyopathy 1G; Autosomal recessive limb-girdle muscular dystrophy type 2J. Last evaluated: 2026-01-28. Review status: criteria provided, single submitter. Criteria: Invitae Variant Classification Sherloc (09022015). Collection method: clinical testing. Allele origin: germline.

Molecular Diagnostic Laboratory for Inherited Cardiovascular Disease, Montreal Heart Institute
Classification: Likely benign. Last evaluated: 2025-04-09. Review status: criteria provided, single submitter. Criteria: ACMG Guidelines, 2015. Collection method: clinical testing. Allele origin: germline. Affected: no.

Athena Diagnostics
Classification: Likely benign. Last evaluated: 2025-03-25. Review status: criteria provided, single submitter. Criteria: Athena Diagnostics Criteria. Collection method: clinical testing. Allele origin: unknown.
Comment: The frequency of this variant in the general population is higher than would generally be expected for pathogenic variants in this gene.

Women's Health and Genetics/Laboratory Corporation of America, LabCorp
Classification: Likely benign. Last evaluated: 2025-02-10. Review status: criteria provided, single submitter. Criteria: LabCorp Variant Classification Summary - May 2015. Collection method: clinical testing. Allele origin: germline.
Comment: Variant summary: TTN c.79433T>G (p.Met26478Arg) results in a non-conservative amino acid change located in the A-band region of the encoded protein sequence. Three of four in-silico tools predict a damaging effect of the variant on protein function. The variant allele was found at a frequency of 0.00012 in 1599990 control chromosomes, predominantly at a frequency of 0.0024 within the African or African-American subpopulation in the gnomAD database. The observed variant frequency within African or African-American control individuals in the gnomAD database is approximately 6-fold of the estimated maximal expected allele frequency for a pathogenic variant in TTN causing Dilated Cardiomyopathy phenotype (0.00039). To our knowledge, no occurrence of c.79433T>G in individuals affected with Dilated Cardiomyopathy and no experimental evidence demonstrating its impact on protein function have been reported. ClinVar contains an entry for this variant (Variation ID: 178178). Based on the evidence outlined above, the variant was classified as likely benign.

Blueprint Genetics
Classification: Likely benign. Last evaluated: 2024-10-29. Review status: criteria provided, single submitter. Criteria: ACMG Guidelines, 2015. Collection method: clinical testing. Allele origin: germline.

Ambry Genetics
Classification: Likely benign for Cardiovascular phenotype. Last evaluated: 2018-04-11. Review status: criteria provided, single submitter. Criteria: Ambry Variant Classification Scheme 2023. Collection method: clinical testing. Allele origin: germline.

Illumina Laboratory Services, Illumina
Classification: Benign for Myopathy, myofibrillar, 9, with early respiratory failure. Last evaluated: 2018-01-12. Review status: criteria provided, single submitter. Criteria: ICSL Variant Classification Criteria 13 December 2019. Collection method: clinical testing. Allele origin: germline.
Comment: This variant was observed in the ICSL laboratory as part of a predisposition screen in an ostensibly healthy population. It had not been previously curated by ICSL or reported in the Human Gene Mutation Database (HGMD: prior to June 1st, 2018), and was therefore a candidate for classification through an automated scoring system. Utilizing variant allele frequency, disease prevalence and penetrance estimates, and inheritance mode, an automated score was calculated to assess if this variant is too frequent to cause the disease. Based on the score and internal cut-off values, a variant classified as benign is not then subjected to further curation. The score for this variant resulted in a classification of benign for this disease.

Illumina Laboratory Services, Illumina
Classification: Benign for Tibial muscular dystrophy. Last evaluated: 2018-01-12. Review status: criteria provided, single submitter. Criteria: ICSL Variant Classification Criteria 13 December 2019. Collection method: clinical testing. Allele origin: germline.
Comment: the same text as in the submission from Illumina Laboratory Services, Illumina above.

Illumina Laboratory Services, Illumina
Classification: Uncertain significance for Early-onset myopathy with fatal cardiomyopathy. Last evaluated: 2018-01-12. Review status: criteria provided, single submitter. Criteria: ICSL Variant Classification Criteria 13 December 2019. Collection method: clinical testing. Allele origin: germline.

Illumina Laboratory Services, Illumina
Classification: Uncertain significance for Dilated cardiomyopathy 1G. Last evaluated: 2018-01-12. Review status: criteria provided, single submitter. Criteria: ICSL Variant Classification Criteria 13 December 2019. Collection method: clinical testing. Allele origin: germline.

Illumina Laboratory Services, Illumina
Classification: Uncertain significance for Autosomal recessive limb-girdle muscular dystrophy type 2J. Last evaluated: 2018-01-12. Review status: criteria provided, single submitter. Criteria: ICSL Variant Classification Criteria 13 December 2019. Collection method: clinical testing. Allele origin: germline.

Eurofins Ntd Llc (ga)
Classification: Likely benign. Last evaluated: 2017-06-08. Review status: criteria provided, single submitter. Criteria: EGL Classification Definitions 2015. Collection method: clinical testing. Allele origin: germline. Observed: 5 variant alleles, 5 heterozygotes.

GeneDx
Classification: Likely benign. Last evaluated: 2017-01-18. Review status: criteria provided, single submitter. Criteria: GeneDx Variant Classification (06012015). Collection method: clinical testing. Allele origin: germline. Affected: yes.
Comment: This variant is considered likely benign or benign based on one or more of the following criteria: it is a conservative change, it occurs at a poorly conserved position in the protein, it is predicted to be benign by multiple in silico algorithms, and/or has population frequency not consistent with disease.

Laboratory for Molecular Medicine, Mass General Brigham Personalized Medicine
Classification: Likely benign. Last evaluated: 2013-10-14. Review status: criteria provided, single submitter. Criteria: LMM Criteria. Collection method: clinical testing. Allele origin: germline. Observed: 1 variant allele.
Comment: Met26478Arg in exon 277 of TTN: This variant is not expected to have clinical si gnificance because it has been identified in 0.3% (12/3654) of African American chromosomes by the NHLBI Exome Sequencing Project (EVS/; dbSNP rs143975327). Met26478Arg in exon 277 of TTN (rs143975327; allele f requency = 0.3%, 12/3654) **

PreventionGenetics, part of Exact Sciences
Classification: Likely benign for TTN-related condition. Last evaluated: 2022-05-05. Review status: no assertion criteria provided. Collection method: clinical testing. Allele origin: germline. Not counted in ClinVar's aggregate classification.
Comment: This variant is classified as likely benign based on ACMG/AMP sequence variant interpretation guidelines (Richards et al. 2015 PMID: 25741868, with internal and published modifications).

NM_001267550.2(TTN):c.87137T>G (p.Met29046Arg)

Genes: TTN (titin; minus strand), TTN-AS1 (TTN antisense RNA 1; plus strand). Cytogenetic location: 2q31.2.
Variant type: single nucleotide variant.
Coding change: c.87137T>G on transcript NM_001267550.2 (MANE Select); coding-DNA position 87137, T replaced by G.
Protein change: p.Met29046Arg; replaces methionine 29046 with arginine.
Molecular consequence: missense variant.
Genome position (GRCh38, 1-based): chr2:178,558,217, A>C on the plus strand (T>G on the coding strand, the complement: TTN is on the minus strand). VCF-style: chr2-178558217-A-C. GRCh37 (hg19) VCF-style: chr2-179422944-A-C.
Other names: c.59942T>G, p.Met19981Arg (NM_003319.4); c.60317T>G, p.Met20106Arg (NM_133432.3); c.60518T>G, p.Met20173Arg (NM_133437.4); c.87137T>G (NM_001267550.1); c.79433T>G, p.Met26478Arg (NM_133378.4); c.82214T>G, p.Met27405Arg (NM_001256850.1); short protein forms M26478R, M29046R, M27405R, M19981R, M20106R, M20173R.
Identifiers: ClinVar variation 178178 (VCV000178178.31), dbSNP rs143975327, ClinGen allele CA181669.
Genomic context (GRCh38, chr2:178,558,217, plus strand): 5'-ATGTCAACTTTAAGGTTTGAACCAGCTCTAACATATACAGTGTGACTTGGGAAATTCTTC[A>C]TATCAATTTCAGGTGGTTCTGAAAAATGAGTATAGAAAGTGAAAGTGAAAAAGTGTTTCT-3'
Protein context (NP_001254479.2, residues 29036-29056): KEQLEPPEID[Met29046Arg]KNFPSHTVYV